The following is an entry in ClinVar:

NM_001365276.2(TNXB):c.5869C>T (p.His1957Tyr)

Gene: TNXB (tenascin XB; minus strand). Cytogenetic location: 6p21.33.
Variant type: single nucleotide variant.
Coding change: c.5869C>T on transcript NM_001365276.2 (MANE Select); coding-DNA position 5869, C replaced by T.
Protein change: p.His1957Tyr; replaces histidine 1957 with tyrosine.
Molecular consequence: missense variant.
Genome position (GRCh38, 1-based): chr6:32,068,855, G>A on the plus strand (C>T on the coding strand, the complement: TNXB is on the minus strand). VCF-style: chr6-32068855-G-A. GRCh37 (hg19) VCF-style: chr6-32036632-G-A.
Other names: c.5869C>T, p.His1957Tyr (NM_019105.8); short protein forms H1957Y.
Identifiers: ClinVar variation 1032818 (VCV001032818.1), dbSNP rs1778570345, ClinGen allele CA363406482.
Genomic context (GRCh38, chr6:32,068,855, plus strand): 5'-AGGAGGCATAGTGGGCAGAGTTCTCACCTGTCAGGGCCTCGACATGGACAGGACCTACAT[G>A]CTTCCCATCACTGAAACCATACAGGGTCACCAGGTATCTGTGGTCGGATTCCAGGCCAGA-3'
Protein context (NP_001352205.1, residues 1947-1967): VTLYGFSDGK[His1957Tyr]VGPVHVEALT

ClinVar aggregate classification (germline): Uncertain significance (1 of 4 stars; one submission).

Conditions:
Ehlers-Danlos syndrome due to tenascin-X deficiency (EDSCLL1). Also called: TNX DEFICIENCY; EHLERS-DANLOS SYNDROME, CLASSIC-LIKE; Ehlers-Danlos syndrome, classic-like, 1; EDS DUE TO TNX DEFICIENCY; TNXB-Related Classical-Like Ehlers-Danlos Syndrome. Identifiers: Orphanet 230839, MedGen C1848029, MONDO:0011670, OMIM 606408.

Submission:

Baylor Genetics
Classification: Uncertain significance for Ehlers-Danlos syndrome due to tenascin-X deficiency. Last evaluated: 2018-06-29. Review status: criteria provided, single submitter. Criteria: ACMG Guidelines, 2015. Collection method: clinical testing. Allele origin: paternal. Affected: yes.
Comment: This variant was determined to be of uncertain significance according to ACMG Guidelines, 2015 [PMID:25741868].